The following is an entry in ClinVar:

ClinVar aggregate classification (germline): Conflicting classifications of pathogenicity. Review status: criteria provided, conflicting classifications (1 of 4 stars). 4 submissions from 4 submitters: Pathogenic (1); Likely pathogenic (1); Uncertain significance (2). Last evaluated 2025-08-11.

Conditions:
Charcot-Marie-Tooth disease axonal type 2F (CMT2F). Also called: CHARCOT-MARIE-TOOTH DISEASE, NEURONAL, TYPE 2F; Charcot-Marie-Tooth Neuropathy Type 2F. Identifiers: Orphanet 99940, MedGen C1847823, MONDO:0011687, OMIM 606595.
Neuronopathy, distal hereditary motor, type 2B. Also called: HMN IIB; NEURONOPATHY, DISTAL HEREDITARY MOTOR, AUTOSOMAL DOMINANT 3; NEURONOPATHY, DISTAL HEREDITARY MOTOR, HARDING TYPE IIB; NEUROPATHY, DISTAL HEREDITARY MOTOR, HARDING TYPE IIB. Identifiers: Orphanet 139525, MedGen C2608087, MONDO:0012080, OMIM 608634.

Submissions (4):

Mayo Clinic Laboratories, Mayo Clinic
Classification: Uncertain significance. Last evaluated: 2025-08-11. Review status: criteria provided, single submitter. Criteria: ACMG Guidelines, 2015. Collection method: clinical testing. Allele origin: germline. Observed: 1 variant allele.
Comment: BP4, PM2_supporting, PM6_supporting, PS3_supporting

Athena Diagnostics
Classification: Likely pathogenic. Last evaluated: 2023-03-31. Review status: criteria provided, single submitter. Criteria: Athena Diagnostics Criteria. Collection method: clinical testing. Allele origin: unknown.
Comment: The frequency of this variant in the general population is consistent with pathogenicity. Assessment of experimental evidence suggests this variant results in abnormal protein function. (PMID: 28144995)

Labcorp Genetics (formerly Invitae), Labcorp
Classification: Uncertain significance for Charcot-Marie-Tooth disease axonal type 2F. Last evaluated: 2022-06-25. Review status: criteria provided, single submitter. Criteria: Invitae Variant Classification Sherloc (09022015). Collection method: clinical testing. Allele origin: germline.
Comment: Advanced modeling of protein sequence and biophysical properties (such as structural, functional, and spatial information, amino acid conservation, physicochemical variation, residue mobility, and thermodynamic stability) performed at Invitae indicates that this missense variant is expected to disrupt HSPB1 protein function. In summary, the available evidence is currently insufficient to determine the role of this variant in disease. Therefore, it has been classified as a Variant of Uncertain Significance. Experimental studies have shown that this missense change affects HSPB1 function (PMID: 28144995). ClinVar contains an entry for this variant (Variation ID: 560409). This missense change has been observed in individual(s) with distal hereditary motor neuropathy (PMID: 28144995). This variant is present in population databases (no rsID available, gnomAD 0.0009%). This sequence change replaces serine, which is neutral and polar, with leucine, which is neutral and non-polar, at codon 187 of the HSPB1 protein (p.Ser187Leu).

Biochimie - Maladies Neurologiques Hereditaires, Hospices Civils de Lyon
Classification: Pathogenic for Neuronopathy, distal hereditary motor, type 2B. Last evaluated: 2017-02-02. Review status: criteria provided, single submitter. Criteria: ACMG Guidelines, 2015. Collection method: clinical testing. Allele origin: de novo. Affected: yes.
Comment: Article ID: HUMU23189

Literature cited by the submitters: PubMed 25614874 (cited by Mayo Clinic Laboratories, Mayo Clinic and Athena Diagnostics); PubMed 28144995 (cited by 3 submitters); PubMed 35328016 (cited by Mayo Clinic Laboratories, Mayo Clinic and Athena Diagnostics).

NM_001540.5(HSPB1):c.560C>T (p.Ser187Leu)

Gene: HSPB1 (heat shock protein family B (small) member 1; plus strand). Cytogenetic location: 7q11.23.
Variant type: single nucleotide variant.
Coding change: c.560C>T on transcript NM_001540.5 (MANE Select); coding-DNA position 560, C replaced by T.
Protein change: p.Ser187Leu; replaces serine 187 with leucine.
Molecular consequence: missense variant.
Genome position (GRCh38, 1-based): chr7:76,304,115, C>T. VCF-style: chr7-76304115-C-T. GRCh37 (hg19) VCF-style: chr7-75933432-C-T.
Other names: p.Ser187Leu; c.560C>T (LRG_248t1); short protein forms S187L.
Identifiers: ClinVar variation 560409 (VCV000560409.8), dbSNP rs774585320, ClinGen allele CA367767133.
Genomic context (GRCh38, chr7:76,304,115, plus strand): 5'-CCCCCATGCCCAAGCTAGCCACGCAGTCCAACGAGATCACCATCCCAGTCACCTTCGAGT[C>T]GCGGGCCCAGCTTGGGGGCCCAGAAGCTGCAAAATCCGATGAGACTGCCGCCAAGTAAAG-3'
Protein context (NP_001531.1, residues 177-197): NEITIPVTFE[Ser187Leu]RAQLGGPEAA